The following is an entry in ClinVar:

NM_005559.4(LAMA1):c.8931G>A (p.Trp2977Ter)

Gene: LAMA1 (laminin subunit alpha 1; minus strand). Cytogenetic location: 18p11.31.
Variant type: single nucleotide variant.
Coding change: c.8931G>A on transcript NM_005559.4 (MANE Select); coding-DNA position 8931, G replaced by A.
Protein change: p.Trp2977Ter; replaces tryptophan 2977 with a stop codon.
Molecular consequence: nonsense.
Genome position (GRCh38, 1-based): chr18:6,943,316, C>T on the plus strand (G>A on the coding strand, the complement: LAMA1 is on the minus strand). VCF-style: chr18-6943316-C-T. GRCh37 (hg19) VCF-style: chr18-6943315-C-T.
Other names: short protein forms W2977*.
Identifiers: ClinVar variation 523892 (VCV000523892.3), dbSNP rs1236564978, ClinGen allele CA401833596.

ClinVar aggregate classification (germline): Pathogenic (1 of 4 stars; one submission).

Allele frequency attached by ClinVar (database versions not stated): gnomAD exomes below 0.00001; gnomAD 0.00001; TOPMed 0.00001.
gnomAD v4.1: 9 of 1,614,044 alleles (0.00056%); highest among the groups gnomAD compares: Non-Finnish European, 0.00068%; no homozygotes.

Submission:

GeneDx
Classification: Pathogenic. Last evaluated: 2020-07-17. Review status: criteria provided, single submitter. Criteria: GeneDx Variant Classification Process June 2021. Collection method: clinical testing. Allele origin: germline. Affected: yes.
Comment: Nonsense variant predicted to result in protein truncation or nonsense mediated decay in a gene for which loss-of-function is a known mechanism of disease; Not observed at a significant frequency in large population cohorts (Lek et al., 2016); Has not been previously published as pathogenic or benign to our knowledge